The following is an entry in ClinVar:

ClinVar aggregate classification (germline): Likely benign (0 of 4 stars; one submission).

Conditions:
CCAR2-related disorder. Also called: CCAR2-related condition.

Allele frequency attached by ClinVar (database versions not stated): gnomAD exomes 0.00004; TOPMed 0.00006; ESP Exome Variant Server 0.00008; gnomAD 0.00013; ExAC 0.00022; 1000 Genomes Project 30x 0.00078; 1000 Genomes Project 0.00080.
gnomAD v4.1: 80 of 1,613,938 alleles (0.005%); highest among the groups gnomAD compares: East Asian, 0.13%; 1 homozygote.

Submission:

PreventionGenetics, part of Exact Sciences
Classification: Likely benign for CCAR2-related condition. Last evaluated: 2023-06-08. Review status: no assertion criteria provided. Collection method: clinical testing. Allele origin: germline.
Comment: This variant is classified as likely benign based on ACMG/AMP sequence variant interpretation guidelines (Richards et al. 2015 PMID: 25741868, with internal and published modifications).

NM_001393997.1(CCAR2):c.1253G>A (p.Arg418Gln)

Gene: CCAR2 (cell cycle and apoptosis regulator 2; plus strand). Cytogenetic location: 8p21.3.
Variant type: single nucleotide variant.
Coding change: c.1253G>A on transcript NM_001393997.1 (MANE Select); coding-DNA position 1253, G replaced by A.
Protein change: p.Arg418Gln; replaces arginine 418 with glutamine.
Molecular consequence: missense variant.
Genome position (GRCh38, 1-based): chr8:22,615,472, G>A. VCF-style: chr8-22615472-G-A. GRCh37 (hg19) VCF-style: chr8-22472985-G-A.
Other names: c.1253G>A, p.Arg418Gln (NM_001363068.2, NM_001363069.2, NM_021174.6); short protein forms R418Q.
Identifiers: ClinVar variation 3036073 (VCV003036073.2), dbSNP rs149267963, ClinGen allele CA4670706.
Genomic context (GRCh38, chr8:22,615,472, plus strand): 5'-TTGCCATGTGCAGGTGGCGCTTTGCCGAGTTTCAGTACCTGCAGCCGGGACCCCCCCGGC[G>A]GCTTCAGACAGTGGTGGTGTACCTGCCGGATGTCTGGACCATCATGCCTACTTTGGAGGA-3'
Protein context (NP_001380926.1, residues 408-428): FQYLQPGPPR[Arg418Gln]LQTVVVYLPD